The following is an entry in ClinVar:

ClinVar aggregate classification (germline): Conflicting classifications of pathogenicity. Review status: criteria provided, conflicting classifications (1 of 4 stars). 3 submissions from 3 submitters: Uncertain significance (2); Likely benign (1). Last evaluated 2026-02-04.

Conditions:
Hereditary cancer-predisposing syndrome. Also called: Neoplastic Syndromes, Hereditary; Tumor predisposition; Hereditary Cancer Syndrome; Hereditary neoplastic syndrome. Identifiers: Orphanet 140162, MedGen C0027672, MeSH D009386, MONDO:0015356.
Hereditary breast ovarian cancer syndrome. Also called: Hereditary breast and ovarian cancer syndrome; Breast and ovarian cancer; Hereditary breast and ovarian cancer; Hereditary breast and/or ovarian cancer syndrome; BRCA1- and BRCA2-Associated Hereditary Breast and Ovarian Cancer; Hereditary breast and ovarian cancer syndrome (HBOC). Identifiers: Orphanet 145, MedGen C0677776, MeSH D061325, MONDO:0003582. Disease mechanism: loss of function.

Submissions (3):

Ambry Genetics
Classification: Uncertain significance for Hereditary cancer-predisposing syndrome. Last evaluated: 2026-02-04. Review status: criteria provided, single submitter. Criteria: Ambry Variant Classification Scheme 2023. Collection method: clinical testing. Allele origin: germline.
Comment: The p.K2271T variant (also known as c.6812A>C), located in coding exon 10 of the BRCA2 gene, results from an A to C substitution at nucleotide position 6812. The lysine at codon 2271 is replaced by threonine, an amino acid with similar properties. This amino acid position is highly conserved in available vertebrate species. In addition, the in silico prediction for this alteration is inconclusive. Based on the available evidence, the clinical significance of this variant remains unclear.

University of Washington Department of Laboratory Medicine, University of Washington
Classification: Likely benign for Hereditary cancer-predisposing syndrome. Last evaluated: 2023-03-23. Review status: criteria provided, single submitter. Criteria: Dines et al. (Genet Med. 2020). Collection method: curation. Allele origin: germline.
Comment: Missense variant in a coldspot region where missense variants are very unlikely to be pathogenic (PMID:31911673).

BRCA2 exon 11 coldspot. Reclassification based on statistical prior probability.

Labcorp Genetics (formerly Invitae), Labcorp
Classification: Uncertain significance for Hereditary breast ovarian cancer syndrome. Last evaluated: 2022-05-27. Review status: criteria provided, single submitter. Criteria: Invitae Variant Classification Sherloc (09022015). Collection method: clinical testing. Allele origin: germline.
Comment: In summary, the available evidence is currently insufficient to determine the role of this variant in disease. Therefore, it has been classified as a Variant of Uncertain Significance. Advanced modeling of protein sequence and biophysical properties (such as structural, functional, and spatial information, amino acid conservation, physicochemical variation, residue mobility, and thermodynamic stability) performed at Invitae indicates that this missense variant is not expected to disrupt BRCA2 protein function. This sequence change replaces lysine, which is basic and polar, with threonine, which is neutral and polar, at codon 2271 of the BRCA2 protein (p.Lys2271Thr). This variant is not present in population databases (gnomAD no frequency). This variant has not been reported in the literature in individuals affected with BRCA2-related conditions.

NM_000059.4(BRCA2):c.6812A>C (p.Lys2271Thr)

Gene: BRCA2 (BRCA2 DNA repair associated; plus strand). Cytogenetic location: 13q13.1.
Variant type: single nucleotide variant.
Coding change: c.6812A>C on transcript NM_000059.4 (MANE Select); coding-DNA position 6812, A replaced by C.
Protein change: p.Lys2271Thr; replaces lysine 2271 with threonine.
Molecular consequence: missense variant.
Genome position (GRCh38, 1-based): chr13:32,341,167, A>C. VCF-style: chr13-32341167-A-C. GRCh37 (hg19) VCF-style: chr13-32915304-A-C.
Other names: c.6812A>C, p.Lys2271Thr (NM_001406719.1, NM_001406720.1); short protein forms K2271T.
Identifiers: ClinVar variation 1999619 (VCV001999619.7), dbSNP rs577406621, ClinGen allele CA387791396.
Genomic context (GRCh38, chr13:32,341,167, plus strand): 5'-ATTCTCTTTTTACATGTCCCGAAAATGAGGAAATGGTTTTGTCAAATTCAAGAATTGGAA[A>C]AAGAAGAGGAGAGCCCCTTATCTTAGTGGGTAAGTGTTCATTTTTACCTTTCGTGTTGCC-3'
Protein context (NP_000050.3, residues 2261-2281): EMVLSNSRIG[Lys2271Thr]RRGEPLILVG